The following is an entry in ClinVar:

NM_000291.4(PGK1):c.937-294A>G

Gene: PGK1 (phosphoglycerate kinase 1; plus strand). Cytogenetic location: Xq21.1.
Variant type: single nucleotide variant.
Coding change: c.937-294A>G on transcript NM_000291.4 (MANE Select); 294 bases into the intron before coding-DNA position 937, A replaced by G.
Molecular consequence: intron variant.
Genome position (GRCh38, 1-based): chrX:78,124,580, A>G. VCF-style: chrX-78124580-A-G. GRCh37 (hg19) VCF-style: chrX-77380077-A-G.
Identifiers: ClinVar variation 683514 (VCV000683514.1), dbSNP rs113112273, ClinGen allele CA331586232.

ClinVar aggregate classification (germline): Benign (1 of 4 stars; one submission).

Allele frequency attached by ClinVar (database versions not stated): gnomAD 0.26876 and 0.27108; TOPMed 0.28742; 1000 Genomes Project 30x 0.34402; 1000 Genomes Project 0.34675.
gnomAD v4.1: 30,018 of 110,594 alleles (27%); highest among the groups gnomAD compares: East Asian, 38%; 3,149 homozygotes.

Submission:

GeneDx
Classification: Benign. Last evaluated: 2018-06-19. Review status: criteria provided, single submitter. Criteria: GeneDx Variant Classification (06012015). Collection method: clinical testing. Allele origin: germline. Affected: yes.
Comment: This variant is considered likely benign or benign based on one or more of the following criteria: it is a conservative change, it occurs at a poorly conserved position in the protein, it is predicted to be benign by multiple in silico algorithms, and/or has population frequency not consistent with disease.